The following is an entry in ClinVar:

NM_198586.3(NHLRC1):c.406C>T (p.Pro136Ser)

Gene: NHLRC1 (NHL repeat containing E3 ubiquitin protein ligase 1; minus strand). Cytogenetic location: 6p22.3.
Variant type: single nucleotide variant.
Coding change: c.406C>T on transcript NM_198586.3 (MANE Select); coding-DNA position 406, C replaced by T.
Protein change: p.Pro136Ser; replaces proline 136 with serine.
Molecular consequence: missense variant.
Genome position (GRCh38, 1-based): chr6:18,122,201, G>A on the plus strand (C>T on the coding strand, the complement: NHLRC1 is on the minus strand). VCF-style: chr6-18122201-G-A. GRCh37 (hg19) VCF-style: chr6-18122432-G-A.
Other names: short protein forms P136S.
Identifiers: ClinVar variation 575633 (VCV000575633.9), dbSNP rs1561882043, ClinGen allele CA362828546.

ClinVar aggregate classification (germline): Uncertain significance (1 of 4 stars; one submission).

Conditions:
Lafora disease. Also called: Progressive Myoclonus Epilepsy, Lafora Type; Epilepsy progressive myoclonic 2. Identifiers: Orphanet 501, MedGen C0751783, MONDO:0009697.

Allele frequency attached by ClinVar (database versions not stated): TOPMed below 0.00001; gnomAD exomes below 0.00001.
gnomAD v4.1: 4 of 1,613,494 alleles (0.00025%); highest among the groups gnomAD compares: East Asian, 0.0045%; no homozygotes.

Submission:

Labcorp Genetics (formerly Invitae), Labcorp
Classification: Uncertain significance for Lafora disease. Last evaluated: 2022-07-12. Review status: criteria provided, single submitter. Criteria: Invitae Variant Classification Sherloc (09022015). Collection method: clinical testing. Allele origin: germline.
Comment: In summary, the available evidence is currently insufficient to determine the role of this variant in disease. Therefore, it has been classified as a Variant of Uncertain Significance. Algorithms developed to predict the effect of missense changes on protein structure and function (SIFT, PolyPhen-2, Align-GVGD) all suggest that this variant is likely to be tolerated. ClinVar contains an entry for this variant (Variation ID: 575633). This variant has not been reported in the literature in individuals affected with NHLRC1-related conditions. This variant is not present in population databases (gnomAD no frequency). This sequence change replaces proline, which is neutral and non-polar, with serine, which is neutral and polar, at codon 136 of the NHLRC1 protein (p.Pro136Ser).